The following is an entry in ClinVar:

NM_004385.5(VCAN):c.5897A>T (p.Asp1966Val)

Genes: VCAN (versican; plus strand), VCAN-AS1 (VCAN antisense RNA 1; minus strand). Cytogenetic location: 5q14.3.
Variant type: single nucleotide variant.
Coding change: c.5897A>T on transcript NM_004385.5 (MANE Select); coding-DNA position 5897, A replaced by T.
Protein change: p.Asp1966Val; replaces aspartic acid 1966 with valine.
Molecular consequence: missense variant. On other transcripts: intron variant (2).
Genome position (GRCh38, 1-based): chr5:83,538,900, A>T. VCF-style: chr5-83538900-A-T. GRCh37 (hg19) VCF-style: chr5-82834719-A-T.
Other names: c.2936A>T, p.Asp979Val (NM_001164097.2); c.4004-6637A>T (NM_001164098.2); c.1043-6637A>T (NM_001126336.3); short protein forms D1966V, D979V.
Identifiers: ClinVar variation 1719727 (VCV001719727.5), dbSNP rs771115359, ClinGen allele CA3333393.
Genomic context (GRCh38, chr5:83,538,900, plus strand): 5'-ATCCCATAGCAAAAGAAGAAACGGTAATGATGGAAGGCTCTGGAGATGCAGCATTTAGGG[A>T]CACCCAGACTTCACCATCTACAGTACCTACTTCAGTTCACATCAGTCACATATCTGACTC-3'
Protein context (NP_004376.2, residues 1956-1976): MEGSGDAAFR[Asp1966Val]TQTSPSTVPT

ClinVar aggregate classification (germline): Uncertain significance (1 of 4 stars; one submission).

Allele frequency attached by ClinVar (database versions not stated): gnomAD exomes below 0.00001; ExAC 0.00001.
gnomAD v4.1: 1 of 1,613,982 alleles (0.000062%); highest among the groups gnomAD compares: African/African-American, 0.0013%; no homozygotes.

Submission:

Labcorp Genetics (formerly Invitae), Labcorp
Classification: Uncertain significance. Last evaluated: 2022-09-18. Review status: criteria provided, single submitter. Criteria: Invitae Variant Classification Sherloc (09022015). Collection method: clinical testing. Allele origin: germline.
Comment: This sequence change replaces aspartic acid, which is acidic and polar, with valine, which is neutral and non-polar, at codon 1966 of the VCAN protein (p.Asp1966Val). This variant is present in population databases (rs771115359, gnomAD 0.007%). This variant has not been reported in the literature in individuals affected with VCAN-related conditions. Algorithms developed to predict the effect of missense changes on protein structure and function (SIFT, PolyPhen-2, Align-GVGD) all suggest that this variant is likely to be disruptive. In summary, the available evidence is currently insufficient to determine the role of this variant in disease. Therefore, it has been classified as a Variant of Uncertain Significance.